The following is an entry in ClinVar:

ClinVar aggregate classification (germline): Uncertain significance (1 of 4 stars; one submission).

Conditions:
Werner syndrome (WRN). Identifiers: Orphanet 902, MedGen C0043119, MONDO:0010196, OMIM 277700.

Submission:

Labcorp Genetics (formerly Invitae), Labcorp
Classification: Uncertain significance for Werner syndrome. Last evaluated: 2023-08-07. Review status: criteria provided, single submitter. Criteria: Invitae Variant Classification Sherloc (09022015). Collection method: clinical testing. Allele origin: germline.
Comment: This variant, c.1323_1325del, results in the deletion of 1 amino acid(s) of the WRN protein (p.Asp441del), but otherwise preserves the integrity of the reading frame. This variant is not present in population databases (gnomAD no frequency). This variant has not been reported in the literature in individuals affected with WRN-related conditions. Experimental studies and prediction algorithms are not available or were not evaluated, and the functional significance of this variant is currently unknown. In summary, the available evidence is currently insufficient to determine the role of this variant in disease. Therefore, it has been classified as a Variant of Uncertain Significance.

NM_000553.6(WRN):c.1320TGA[1] (p.Asp441del)

Gene: WRN (WRN RecQ like helicase; plus strand). Cytogenetic location: 8p12.
Variant type: Microsatellite.
Coding change: c.1320TGA[1] on transcript NM_000553.6 (MANE Select); one copy of the 3-base unit TGA starting at c.1320; the reference has two copies in a row; one copy, 3 bases deleted.
Protein change: p.Asp441del; deletes aspartic acid 441.
Molecular consequence: inframe deletion.
Genome position (GRCh38, 1-based): chr8:31,083,752-31,083,754, TGA deleted; deleting any 3 consecutive bases within chr8:31,083,749-31,083,754 gives the same sequence; the position shown is the placement nearest the transcript's 3' end. VCF-style (leftmost placement, unchanged base first): chr8-31083748-GTGA-G. GRCh37 (hg19) VCF-style: chr8-30941264-GTGA-G.
Other names: short protein forms D441del.
Identifiers: ClinVar variation 2750864 (VCV002750864.3), dbSNP rs2535916914, ClinGen allele CA2697549859.
Genomic context (GRCh38, chr8:31,083,748, plus strand): 5'-TTTTTTTAAAGCATTTATCTCCCAATGATAATGAAAACGATACGTCCTATGTAATTGAGA[GTGA>G]TGAAGATTTAGAAATGGAGATGCTTAAGGTATGTTTACAATTATAAAAATATTACTTCAA-3'